The following is an entry in ClinVar:

NM_016169.4(SUFU):c.1054T>A (p.Ser352Thr)

Gene: SUFU (SUFU negative regulator of hedgehog signaling; plus strand). Cytogenetic location: 10q24.32.
Variant type: single nucleotide variant.
Coding change: c.1054T>A on transcript NM_016169.4 (MANE Select); coding-DNA position 1054, T replaced by A.
Protein change: p.Ser352Thr; replaces serine 352 with threonine.
Molecular consequence: missense variant.
Genome position (GRCh38, 1-based): chr10:102,615,299, T>A. VCF-style: chr10-102615299-T-A. GRCh37 (hg19) VCF-style: chr10-104375056-T-A.
Other names: c.1054T>A, p.Ser352Thr (NM_001178133.2); short protein forms S352T.
Identifiers: ClinVar variation 3323539 (VCV003323539.1).

ClinVar aggregate classification (germline): Uncertain significance (1 of 4 stars; one submission).

Conditions:
Hereditary cancer-predisposing syndrome. Also called: Neoplastic Syndromes, Hereditary; Tumor predisposition; Hereditary neoplastic syndrome; Hereditary Cancer Syndrome. Identifiers: Orphanet 140162, MedGen C0027672, MeSH D009386, MONDO:0015356.

Submission:

Ambry Genetics
Classification: Uncertain significance for Hereditary cancer-predisposing syndrome. Last evaluated: 2024-03-27. Review status: criteria provided, single submitter. Criteria: Ambry Variant Classification Scheme 2023. Collection method: clinical testing. Allele origin: germline.
Comment: The p.S352T variant (also known as c.1054T>A), located in coding exon 9 of the SUFU gene, results from a T to A substitution at nucleotide position 1054. The serine at codon 352 is replaced by threonine, an amino acid with similar properties. This amino acid position is conserved. In addition, this alteration is predicted to be tolerated by in silico analysis. Based on the available evidence, the clinical significance of this alteration remains unclear.